The following is an entry in ClinVar:

NM_006031.6(PCNT):c.688C>T (p.Arg230Cys)

Gene: PCNT (pericentrin; plus strand). Cytogenetic location: 21q22.3.
Variant type: single nucleotide variant.
Coding change: c.688C>T on transcript NM_006031.6 (MANE Select); coding-DNA position 688, C replaced by T.
Protein change: p.Arg230Cys; replaces arginine 230 with cysteine.
Molecular consequence: missense variant.
Genome position (GRCh38, 1-based): chr21:46,346,176, C>T. VCF-style: chr21-46346176-C-T. GRCh37 (hg19) VCF-style: chr21-47766090-C-T.
Other names: c.334C>T, p.Arg112Cys (NM_001315529.2); short protein forms R230C, R112C.
Identifiers: ClinVar variation 512489 (VCV000512489.19), dbSNP rs143560718, ClinGen allele CA10078361.

ClinVar aggregate classification (germline): Conflicting classifications of pathogenicity. Review status: criteria provided, conflicting classifications (1 of 4 stars). 7 submissions from 7 submitters: Uncertain significance (5); Likely benign (1). 1 of the submissions does not count toward it. Last evaluated 2024-10-25.

Conditions:
Microcephalic osteodysplastic primordial dwarfism type II (MOPD2). Also called: Microcephalic osteodysplastic primordial dwarfism with tooth abnormalities; OSTEODYSPLASTIC PRIMORDIAL DWARFISM, TYPE II; MOPD II. Identifiers: Orphanet 2637, MedGen C0432246, MONDO:0008872, OMIM 210720.
PCNT-related disorder. Also called: PCNT-related condition.

Allele frequency attached by ClinVar (database versions not stated): ExAC 0.00014; gnomAD exomes 0.00018 and 0.00027; gnomAD 0.00028; ESP Exome Variant Server 0.00031; TOPMed 0.00033; 1000 Genomes Project 0.00040; 1000 Genomes Project 30x 0.00047.

Submissions (7):

Blueprint Genetics
Classification: Uncertain significance. Last evaluated: 2024-10-25. Review status: criteria provided, single submitter. Criteria: ACMG Guidelines, 2015. Collection method: clinical testing. Allele origin: germline.

Labcorp Genetics (formerly Invitae), Labcorp
Classification: Uncertain significance. Last evaluated: 2022-09-01. Review status: criteria provided, single submitter. Criteria: Invitae Variant Classification Sherloc (09022015). Collection method: clinical testing. Allele origin: germline.
Comment: This sequence change replaces arginine, which is basic and polar, with cysteine, which is neutral and slightly polar, at codon 230 of the PCNT protein (p.Arg230Cys). This variant is present in population databases (rs143560718, gnomAD 0.05%). This variant has not been reported in the literature in individuals affected with PCNT-related conditions. ClinVar contains an entry for this variant (Variation ID: 512489). Algorithms developed to predict the effect of missense changes on protein structure and function (SIFT, PolyPhen-2, Align-GVGD) all suggest that this variant is likely to be tolerated. In summary, the available evidence is currently insufficient to determine the role of this variant in disease. Therefore, it has been classified as a Variant of Uncertain Significance.

Genetic Services Laboratory, University of Chicago
Classification: Uncertain significance. Last evaluated: 2018-04-11. Review status: criteria provided, single submitter. Criteria: ACMG Guidelines, 2015. Collection method: clinical testing. Allele origin: germline. Affected: no.

Illumina Laboratory Services, Illumina
Classification: Uncertain significance for Microcephalic osteodysplastic primordial dwarfism type II. Last evaluated: 2018-01-12. Review status: criteria provided, single submitter. Criteria: ICSL Variant Classification Criteria 13 December 2019. Collection method: clinical testing. Allele origin: germline.

Eurofins Ntd Llc (ga)
Classification: Uncertain significance. Last evaluated: 2017-12-19. Review status: criteria provided, single submitter. Criteria: EGL Classification Definitions 2015. Collection method: clinical testing. Allele origin: germline. Observed: 1 variant allele, 1 heterozygote.

GeneDx
Classification: Likely benign. Last evaluated: 2017-10-13. Review status: criteria provided, single submitter. Criteria: GeneDx Variant Classification (06012015). Collection method: clinical testing. Allele origin: germline. Affected: yes.
Comment: This variant is considered likely benign or benign based on one or more of the following criteria: it is a conservative change, it occurs at a poorly conserved position in the protein, it is predicted to be benign by multiple in silico algorithms, and/or has population frequency not consistent with disease.

PreventionGenetics, part of Exact Sciences
Classification: Uncertain significance for PCNT-related condition. Last evaluated: 2024-04-15. Review status: no assertion criteria provided. Collection method: clinical testing. Allele origin: germline. Not counted in ClinVar's aggregate classification.
Comment: The PCNT c.688C>T variant is predicted to result in the amino acid substitution p.Arg230Cys. To our knowledge, this variant has not been reported in the literature. This variant is reported in 0.052% of alleles in individuals of African descent in gnomAD, which is likely too common for an undocumented disease-causing variant. Although we suspect this variant may be benign, at this time, its clinical significance is uncertain due to the absence of conclusive functional and genetic evidence.